The following is an entry in ClinVar:

NM_003476.5(CSRP3):c.329del (p.Phe110fs)

Gene: CSRP3 (cysteine and glycine rich protein 3; minus strand). Cytogenetic location: 11p15.1.
Variant type: Deletion.
Coding change: c.329del on transcript NM_003476.5 (MANE Select); coding-DNA position 329, one base deleted (T; older notation c.329delT).
Protein change: p.Phe110fs; shifts the reading frame from phenylalanine 110.
Molecular consequence: frameshift variant.
Genome position (GRCh38, 1-based): chr11:19,186,301, A deleted on the plus strand (T on the coding strand, the reverse complement: CSRP3 is on the minus strand); the first of 2 consecutive A bases (chr11:19,186,301-19,186,302); deleting either gives the same sequence. VCF-style (leftmost placement, unchanged base first): chr11-19186300-GA-G. GRCh37 (hg19) VCF-style: chr11-19207847-GA-G.
Other names: c.160del, p.Ser54fs (NM_001369404.1); short protein forms F110fs, S54fs.
Identifiers: ClinVar variation 1378676 (VCV001378676.8), dbSNP rs2133508524, ClinGen allele CA2573146121.

ClinVar aggregate classification (germline): Conflicting classifications of pathogenicity. Review status: criteria provided, conflicting classifications (1 of 4 stars). 2 submissions from 2 submitters: Pathogenic (1); Uncertain significance (1). Last evaluated 2024-04-17.

Conditions:
Cardiovascular phenotype. Identifiers: MedGen CN230736.
Hypertrophic cardiomyopathy 12. Identifiers: MedGen C2677491, MONDO:0012804, OMIM 612124.
Dilated cardiomyopathy 1M (CMD1M). Identifiers: Orphanet 154, MedGen C1843808, MONDO:0011840, OMIM 607482.

Submissions (2):

Labcorp Genetics (formerly Invitae), Labcorp
Classification: Pathogenic for Hypertrophic cardiomyopathy 12; Dilated cardiomyopathy 1M. Last evaluated: 2024-04-17. Review status: criteria provided, single submitter. Criteria: Invitae Variant Classification Sherloc (09022015). Collection method: clinical testing. Allele origin: germline.
Comment: This sequence change results in a frameshift in the CSRP3 gene (p.Phe110Serfs*98). While this is not anticipated to result in nonsense mediated decay, it is expected to disrupt the last 85 amino acid(s) of the CSRP3 protein and extend the protein by 12 additional amino acid residues. This variant is not present in population databases (gnomAD no frequency). This variant has not been reported in the literature in individuals affected with CSRP3-related conditions. ClinVar contains an entry for this variant (Variation ID: 1378676). This variant disrupts a region of the CSRP3 protein in which other variant(s) (p.Cys150Tyr) have been determined to be pathogenic (PMID: 23396983, 25351510, 33035702; Invitae). This suggests that this is a clinically significant region of the protein, and that variants that disrupt it are likely to be disease-causing. For these reasons, this variant has been classified as Pathogenic.

Ambry Genetics
Classification: Uncertain significance for Cardiovascular phenotype. Last evaluated: 2021-05-12. Review status: criteria provided, single submitter. Criteria: Ambry Variant Classification Scheme 2023. Collection method: clinical testing. Allele origin: germline.
Comment: The c.329delT variant, located in coding exon 3 of the CSRP3 gene, results from a deletion of one nucleotide at nucleotide position 329, causing a translational frameshift with a predicted alternate stop codon (p.F110Sfs*98). This alteration is expected to result in premature protein truncation or nonsense-mediated mRNA decay. However, loss of function of CSRP3 has not been clearly established as a mechanism of disease. Since supporting evidence is limited at this time, the clinical significance of this alteration remains unclear.

Literature cited by the submitters: PubMed 23396983 (cited by Labcorp Genetics (formerly Invitae), Labcorp); PubMed 25351510 (cited by Labcorp Genetics (formerly Invitae), Labcorp); PubMed 33035702 (cited by Labcorp Genetics (formerly Invitae), Labcorp).